The following is an entry in ClinVar:

NM_001393586.1(MYO7B):c.4333+8C>A

Gene: MYO7B (myosin VIIB; plus strand). Cytogenetic location: 2q14.3.
Variant type: single nucleotide variant.
Coding change: c.4333+8C>A on transcript NM_001393586.1 (MANE Select); 8 bases into the intron after coding-DNA position 4333, C replaced by A.
Molecular consequence: intron variant.
Genome position (GRCh38, 1-based): chr2:127,627,100, C>A. VCF-style: chr2-127627100-C-A. GRCh37 (hg19) VCF-style: chr2-128384675-C-A.
Other names: c.4255+8C>A (NM_001080527.2); c.814+8C>A (NM_001393594.1).
Identifiers: ClinVar variation 3052912 (VCV003052912.2), dbSNP rs372007640, ClinGen allele CA1861724.

ClinVar aggregate classification (germline): Likely benign (0 of 4 stars; one submission).

Conditions:
MYO7B-related disorder. Also called: MYO7B-related condition.

Allele frequency attached by ClinVar (database versions not stated): gnomAD exomes 0.00005; ExAC 0.00014; ESP Exome Variant Server 0.00024; TOPMed 0.00030; gnomAD 0.00037; 1000 Genomes Project 0.00080; 1000 Genomes Project 30x 0.00109.
gnomAD v4.1: 131 of 1,609,058 alleles (0.0081%); highest among the groups gnomAD compares: African/African-American, 0.15%; no homozygotes.

Submission:

PreventionGenetics, part of Exact Sciences
Classification: Likely benign for MYO7B-related condition. Last evaluated: 2019-03-12. Review status: no assertion criteria provided. Collection method: clinical testing. Allele origin: germline.
Comment: This variant is classified as likely benign based on ACMG/AMP sequence variant interpretation guidelines (Richards et al. 2015 PMID: 25741868, with internal and published modifications).